The following is an entry in ClinVar:

NM_015338.6(ASXL1):c.3442C>T (p.Arg1148Cys)

Gene: ASXL1 (ASXL transcriptional regulator 1; plus strand). Cytogenetic location: 20q11.21.
Variant type: single nucleotide variant.
Coding change: c.3442C>T on transcript NM_015338.6 (MANE Select); coding-DNA position 3442, C replaced by T.
Protein change: p.Arg1148Cys; replaces arginine 1148 with cysteine.
Molecular consequence: missense variant.
Genome position (GRCh38, 1-based): chr20:32,436,154, C>T. VCF-style: chr20-32436154-C-T. GRCh37 (hg19) VCF-style: chr20-31023957-C-T.
Other names: c.3259C>T, p.Arg1087Cys (NM_001363734.1); short protein forms R1148C, R1087C.
Identifiers: ClinVar variation 133583 (VCV000133583.6), dbSNP rs139435094, ClinGen allele CA157002.

ClinVar aggregate classification (germline): Uncertain significance. Review status: criteria provided, multiple submitters, no conflicts (2 of 4 stars). 3 submissions from 3 submitters: Uncertain significance (2). 1 of the submissions does not count toward it. Last evaluated 2025-11-19.

Conditions:
Bohring-Opitz syndrome. Also called: OPITZ TRIGONOCEPHALY-LIKE SYNDROME; ASXL1-Related Bohring-Opitz Syndrome; C-LIKE SYNDROME; BOHRING SYNDROME. Identifiers: Orphanet 97297, MedGen C0796232, MONDO:0011510, OMIM 605039.

Allele frequency attached by ClinVar (database versions not stated): gnomAD exomes 0.00003 and 0.00005; gnomAD 0.00005; TOPMed 0.00003; ESP Exome Variant Server 0.00008; ExAC 0.00002.
gnomAD v4.1: 76 of 1,614,248 alleles (0.0047%); highest among the groups gnomAD compares: Middle Eastern, 0.033%; no homozygotes.

Submissions (3):

Labcorp Genetics (formerly Invitae), Labcorp
Classification: Uncertain significance. Last evaluated: 2025-11-19. Review status: criteria provided, single submitter. Criteria: Invitae Variant Classification Sherloc (09022015). Collection method: clinical testing. Allele origin: germline.
Comment: This sequence change replaces arginine, which is basic and polar, with cysteine, which is neutral and slightly polar, at codon 1148 of the ASXL1 protein (p.Arg1148Cys). This variant is present in population databases (rs139435094, gnomAD 0.007%). This variant has not been reported in the literature in individuals affected with ASXL1-related conditions. ClinVar contains an entry for this variant (Variation ID: 133583). An algorithm developed to predict the effect of missense changes on protein structure and function outputs the following: PolyPhen-2: "Benign". The cysteine amino acid residue is found in multiple mammalian species, which suggests that this missense change does not adversely affect protein function. In summary, the available evidence is currently insufficient to determine the role of this variant in disease. Therefore, it has been classified as a Variant of Uncertain Significance.

Revvity Omics, Revvity
Classification: Uncertain significance for Bohring-Opitz syndrome. Last evaluated: 2023-10-26. Review status: criteria provided, single submitter. Criteria: ACMG Guidelines, 2015. Collection method: clinical testing. Allele origin: germline.

ITMI
No classification provided. Condition: AllHighlyPenetrant. Last evaluated: 2013-09-19. Review status: no classification provided. Collection method: reference population. Allele origin: germline. Not counted in ClinVar's aggregate classification.
Comment: Please see associated publication for description of ethnicities

Literature cited by the submitters: PubMed 24728327 (cited by ITMI).